The following is an entry in ClinVar:

ClinVar aggregate classification (germline): Likely benign. Review status: criteria provided, single submitter (1 of 4 stars). 2 submissions from 2 submitters: Likely benign (1). 1 of the submissions does not count toward it. Last evaluated 2024-11-27.

Conditions:
DDX54-related disorder. Also called: DDX54-related condition.

Allele frequency attached by ClinVar (database versions not stated): 1000 Genomes Project 30x 0.00297; 1000 Genomes Project 0.00319; TOPMed 0.00916; ExAC 0.01111; ESP Exome Variant Server 0.01253.
gnomAD v4.1: 21,788 of 1,613,416 alleles (1.4%); highest among the groups gnomAD compares: Non-Finnish European, 1.5%; 182 homozygotes.

Submissions (2):

Blueprint Genetics
Classification: Likely benign. Last evaluated: 2024-11-27. Review status: criteria provided, single submitter. Criteria: ACMG Guidelines, 2015. Collection method: clinical testing. Allele origin: germline.

PreventionGenetics, part of Exact Sciences
Classification: Benign for DDX54-related condition. Last evaluated: 2019-11-12. Review status: no assertion criteria provided. Collection method: clinical testing. Allele origin: germline. Not counted in ClinVar's aggregate classification.
Comment: This variant is classified as benign based on ACMG/AMP sequence variant interpretation guidelines (Richards et al. 2015 PMID: 25741868, with internal and published modifications).

NM_024072.4(DDX54):c.939C>T (p.Thr313=)

Gene: DDX54 (DEAD-box helicase 54; minus strand). Cytogenetic location: 12q24.13.
Variant type: single nucleotide variant.
Coding change: c.939C>T on transcript NM_024072.4 (MANE Select); coding-DNA position 939, C replaced by T.
Protein change: p.Thr313=; no amino-acid change (threonine 313 retained).
Molecular consequence: synonymous variant.
Genome position (GRCh38, 1-based): chr12:113,174,769, G>A on the plus strand (C>T on the coding strand, the complement: DDX54 is on the minus strand). VCF-style: chr12-113174769-G-A. GRCh37 (hg19) VCF-style: chr12-113612574-G-A.
Other names: c.939C>T, p.Thr313= (NM_001111322.2).
Identifiers: ClinVar variation 3041736 (VCV003041736.3), dbSNP rs12811662, ClinGen allele CA6803790.
Genomic context (GRCh38, chr12:113,174,769, plus strand): 5'-GTTGTGCAGCAGGTGGAGCAGCACGGCAGCCTTGGTGTCCTCCCGCACGAGGAAGAAGGA[G>A]GTCTGTGGGGAGAGGGCATCACGTGTTGGCTTACGGGGTCCTGGCCCAGGGCCTGCAGGG-3'
Protein context (NP_076977.3, residues 303-323): VDTKLNEQLK[Thr313=]SFFLVREDTK